The following is an entry in ClinVar:

ClinVar aggregate classification (germline): conflicting data from submitters (0 of 4 stars; one submission).

Submission:

ISCA site 1
Classification: conflicting data from submitters. Last evaluated: 2016-03-10. Review status: no assertion criteria provided. Collection method: clinical testing. Allele origin: maternal, unknown. Affected: yes. Observed: 3 variant alleles. Clinical features observed: Autistic behavior (HP:0000729), Delayed speech and language development (HP:0000750), Seizures (HP:0001250), Ataxia (HP:0001251), Muscular hypotonia (HP:0001252), Specific learning disability (HP:0001328), Intrauterine growth retardation (HP:0001511), Delayed gross motor development (HP:0002194), Delayed fine motor development (HP:0010862), Polyhydramnios (HP:0001561), Abnormal facial shape (HP:0002260), Epileptic spasms (HP:0011097).
Comment: Uncertain significance(1), Likely benign (2)

Copy number variation identified through the course of routine clinical cytogenomic testing in postnatal populations, with clinical assertions as classified by the original submitter. For data from the original published study, Kaminsky, et al. 2011 (PubMed 21844811), please see nstd101.

GRCh37/hg19 7p11.2(chr7:57261122-57919405)x3

Gene: ZNF716 (zinc finger protein 716; plus strand). Cytogenetic location: 7p11.2.
Variant type: copy number gain.
Change: copy number 3 (three copies instead of two) of chr7:57,261,122-57,919,405 (658.3 kb, GRCh37 coordinates, 1-based), cytogenetic band 7p11.2.
Identifiers: ClinVar variation 442058 (VCV000442058.2).